The following is an entry in ClinVar:

ClinVar aggregate classification (germline): Conflicting classifications of pathogenicity. Review status: criteria provided, conflicting classifications (1 of 4 stars). 2 submissions from 2 submitters: Uncertain significance (1); Likely benign (1). Last evaluated 2023-12-11.

Conditions:
Familial sleep-related hypermotor epilepsy. Also called: Autosomal Dominant Sleep-Related Hypermotor (Hyperkinetic) Epilepsy. Identifiers: Orphanet 98784, MedGen C3696898, MONDO:0000030.

gnomAD v4.1: 60 of 1,609,150 alleles (0.0037%); highest among the groups gnomAD compares: South Asian, 0.065%; 1 homozygote.

Submissions (2):

Labcorp Genetics (formerly Invitae), Labcorp
Classification: Uncertain significance. Last evaluated: 2023-12-11. Review status: criteria provided, single submitter. Criteria: Invitae Variant Classification Sherloc (09022015). Collection method: clinical testing. Allele origin: germline.
Comment: This sequence change replaces serine, which is neutral and polar, with arginine, which is basic and polar, at codon 543 of the CHRNA4 protein (p.Ser543Arg). This variant is present in population databases (rs1044396, gnomAD 0.06%), and has an allele count higher than expected for a pathogenic variant. This variant has not been reported in the literature in individuals affected with CHRNA4-related conditions. ClinVar contains an entry for this variant (Variation ID: 857384). Advanced modeling of protein sequence and biophysical properties (such as structural, functional, and spatial information, amino acid conservation, physicochemical variation, residue mobility, and thermodynamic stability) performed at Invitae indicates that this missense variant is not expected to disrupt CHRNA4 protein function with a negative predictive value of 80%. In summary, the available evidence is currently insufficient to determine the role of this variant in disease. Therefore, it has been classified as a Variant of Uncertain Significance.

GeneDx
Classification: Likely benign. Last evaluated: 2018-12-26. Review status: criteria provided, single submitter. Criteria: GeneDx Variant Classification Process June 2021. Collection method: clinical testing. Allele origin: germline. Affected: yes.

NM_000744.7(CHRNA4):c.1629C>G (p.Ser543Arg)

Gene: CHRNA4 (cholinergic receptor nicotinic alpha 4 subunit; minus strand). Cytogenetic location: 20q13.33.
Variant type: single nucleotide variant.
Coding change: c.1629C>G on transcript NM_000744.7 (MANE Select); coding-DNA position 1629, C replaced by G.
Protein change: p.Ser543Arg; replaces serine 543 with arginine.
Molecular consequence: missense variant. On other transcripts: non-coding transcript variant (1).
Genome position (GRCh38, 1-based): chr20:63,349,782, G>C on the plus strand (C>G on the coding strand, the complement: CHRNA4 is on the minus strand). VCF-style: chr20-63349782-G-C. GRCh37 (hg19) VCF-style: chr20-61981134-G-C.
Other names: c.1101C>G, p.Ser367Arg (NM_001256573.2); short protein forms S367R, S543R.
Identifiers: ClinVar variation 857384 (VCV000857384.12), dbSNP rs1044396, ClinGen allele CA9957563.